The following is an entry in ClinVar:

NM_002693.3(POLG):c.2388A>C (p.Lys796Asn)

Gene: POLG (DNA polymerase gamma, catalytic subunit; minus strand). Cytogenetic location: 15q26.1.
Variant type: single nucleotide variant.
Coding change: c.2388A>C on transcript NM_002693.3 (MANE Select); coding-DNA position 2388, A replaced by C.
Protein change: p.Lys796Asn; replaces lysine 796 with asparagine.
Molecular consequence: missense variant.
Genome position (GRCh38, 1-based): chr15:89,322,780, T>G on the plus strand (A>C on the coding strand, the complement: POLG is on the minus strand). VCF-style: chr15-89322780-T-G. GRCh37 (hg19) VCF-style: chr15-89866011-T-G.
Other names: c.2388A>C, p.Lys796Asn (NM_001126131.2); short protein forms K796N.
Identifiers: ClinVar variation 3716152 (VCV003716152.2).

ClinVar aggregate classification (germline): Uncertain significance (1 of 4 stars; one submission).

Conditions:
Progressive sclerosing poliodystrophy (MTDPS4A). Also called: ALPERS PROGRESSIVE INFANTILE POLIODYSTROPHY; NEURONAL DEGENERATION OF CHILDHOOD WITH LIVER DISEASE, PROGRESSIVE; Alpers Syndrome; ALPERS DIFFUSE DEGENERATION OF CEREBRAL GRAY MATTER WITH HEPATIC CIRRHOSIS; Alpers-Huttenlocher Syndrome; Mitochondrial DNA depletion syndrome 4A (Alpers type). Identifiers: Orphanet 726, MedGen C0205710, MONDO:0008758, OMIM 203700.

Submission:

Labcorp Genetics (formerly Invitae), Labcorp
Classification: Uncertain significance for Progressive sclerosing poliodystrophy. Last evaluated: 2024-05-15. Review status: criteria provided, single submitter. Criteria: Invitae Variant Classification Sherloc (09022015). Collection method: clinical testing. Allele origin: germline.
Comment: This sequence change replaces lysine, which is basic and polar, with asparagine, which is neutral and polar, at codon 796 of the POLG protein (p.Lys796Asn). This variant is not present in population databases (gnomAD no frequency). This variant has not been reported in the literature in individuals affected with POLG-related conditions. Advanced modeling of protein sequence and biophysical properties (such as structural, functional, and spatial information, amino acid conservation, physicochemical variation, residue mobility, and thermodynamic stability) has been performed at Invitae for this missense variant, however the output from this modeling did not meet the statistical confidence thresholds required to predict the impact of this variant on POLG protein function. In summary, the available evidence is currently insufficient to determine the role of this variant in disease. Therefore, it has been classified as a Variant of Uncertain Significance.